The following is an entry in ClinVar:

ClinVar aggregate classification (germline): Likely benign. Review status: criteria provided, multiple submitters, no conflicts (2 of 4 stars). 2 submissions from 2 submitters: Likely benign (2). Last evaluated 2021-06-06.

Allele frequency attached by ClinVar (database versions not stated): gnomAD 0.00062 and 0.00080; TOPMed 0.00107; ExAC 0.00115; gnomAD exomes 0.00142; 1000 Genomes Project 30x 0.00359; 1000 Genomes Project 0.00419.
gnomAD v4.1: 944 of 1,610,106 alleles (0.059%); highest among the groups gnomAD compares: East Asian, 1.4%; 3 homozygotes.

Submissions (2):

GeneDx
Classification: Likely benign. Last evaluated: 2021-06-06. Review status: criteria provided, single submitter. Criteria: GeneDx Variant Classification Process June 2021. Collection method: clinical testing. Allele origin: germline. Affected: yes.
Comment: See Variant Classification Assertion Criteria.

Breakthrough Genomics
Classification: Likely benign. Review status: criteria provided, single submitter. Criteria: ACMG Guidelines, 2015. Collection method: not provided. Allele origin: germline. Inheritance: Autosomal recessive inheritance. Affected: yes.

NM_007055.4(POLR3A):c.3595-32G>A

Gene: POLR3A (RNA polymerase III subunit A; minus strand). Cytogenetic location: 10q22.3.
Variant type: single nucleotide variant.
Coding change: c.3595-32G>A on transcript NM_007055.4 (MANE Select); 32 bases into the intron before coding-DNA position 3595, G replaced by A.
Molecular consequence: intron variant.
Genome position (GRCh38, 1-based): chr10:77,982,350, C>T on the plus strand (G>A on the coding strand, the complement: POLR3A is on the minus strand). VCF-style: chr10-77982350-C-T. GRCh37 (hg19) VCF-style: chr10-79742108-C-T.
Identifiers: ClinVar variation 1684085 (VCV001684085.3), dbSNP rs118135341, ClinGen allele CA5570771.